The following is an entry in ClinVar:

ClinVar aggregate classification (germline): Uncertain significance (1 of 4 stars; one submission).

Allele frequency attached by ClinVar (database versions not stated): gnomAD exomes below 0.00001; gnomAD 0.00001.
gnomAD v4.1: 7 of 1,595,654 alleles (0.00044%); highest among the groups gnomAD compares: Admixed American, 0.0017%; no homozygotes.

Submission:

Labcorp Genetics (formerly Invitae), Labcorp
Classification: Uncertain significance. Last evaluated: 2022-09-29. Review status: criteria provided, single submitter. Criteria: Invitae Variant Classification Sherloc (09022015). Collection method: clinical testing. Allele origin: germline.
Comment: This sequence change replaces arginine, which is basic and polar, with glutamine, which is neutral and polar, at codon 765 of the ADAMTS13 protein (p.Arg765Gln). The frequency data for this variant in the population databases is considered unreliable, as metrics indicate poor data quality at this position in the gnomAD database. This variant has not been reported in the literature in individuals affected with ADAMTS13-related conditions. Advanced modeling of protein sequence and biophysical properties (such as structural, functional, and spatial information, amino acid conservation, physicochemical variation, residue mobility, and thermodynamic stability) performed at Invitae indicates that this missense variant is not expected to disrupt ADAMTS13 protein function. In summary, the available evidence is currently insufficient to determine the role of this variant in disease. Therefore, it has been classified as a Variant of Uncertain Significance.

NM_139027.6(ADAMTS13):c.2294G>A (p.Arg765Gln)

Gene: ADAMTS13 (ADAM metallopeptidase with thrombospondin type 1 motif 13; plus strand). Cytogenetic location: 9q34.2.
Variant type: single nucleotide variant.
Coding change: c.2294G>A on transcript NM_139027.6 (MANE Select); coding-DNA position 2294, G replaced by A.
Protein change: p.Arg765Gln; replaces arginine 765 with glutamine.
Molecular consequence: missense variant.
Genome position (GRCh38, 1-based): chr9:133,443,435, G>A. VCF-style: chr9-133443435-G-A. GRCh37 (hg19) VCF-style: chr9-136308556-G-A.
Other names: c.2294G>A, p.Arg765Gln (NM_139025.5); c.2201G>A, p.Arg734Gln (NM_139026.6); short protein forms R734Q, R765Q.
Identifiers: ClinVar variation 1907524 (VCV001907524.2), dbSNP rs1554791509, ClinGen allele CA375397653.